The following is an entry in ClinVar:

NM_000179.3(MSH6):c.1795G>T (p.Gly599Ter)

Gene: MSH6 (mutS homolog 6; plus strand). Cytogenetic location: 2p16.3.
Variant type: single nucleotide variant.
Coding change: c.1795G>T on transcript NM_000179.3 (MANE Select); coding-DNA position 1795, G replaced by T.
Protein change: p.Gly599Ter; replaces glycine 599 with a stop codon.
Molecular consequence: nonsense.
Genome position (GRCh38, 1-based): chr2:47,799,778, G>T. VCF-style: chr2-47799778-G-T. GRCh37 (hg19) VCF-style: chr2-48026917-G-T.
Other names: c.1405G>T, p.Gly469Ter (NM_001281492.2); c.889G>T, p.Gly297Ter (NM_001281493.2, NM_001281494.2); short protein forms G297*, G599*, G469*.
Identifiers: ClinVar variation 439911 (VCV000439911.11), dbSNP rs756043669, ClinGen allele CA346749316.

ClinVar aggregate classification (germline): Pathogenic. Review status: criteria provided, multiple submitters, no conflicts (2 of 4 stars). 4 submissions from 4 submitters: Pathogenic (4). Last evaluated 2024-08-21.

Conditions:
Hereditary cancer-predisposing syndrome. Also called: Hereditary Cancer Syndrome; Hereditary neoplastic syndrome; Neoplastic Syndromes, Hereditary; Tumor predisposition. Identifiers: Orphanet 140162, MedGen C0027672, MeSH D009386, MONDO:0015356.
Lynch syndrome 5 (LYNCH5). Also called: Hereditary non-polyposis colorectal cancer, type 5; Colorectal cancer, hereditary nonpolyposis, type 5. Identifiers: Orphanet 144, MedGen C1833477, MONDO:0013710, OMIM 614350. Disease mechanism: loss of function.

Submissions (4):

Ambry Genetics
Classification: Pathogenic for Hereditary cancer-predisposing syndrome. Last evaluated: 2024-08-21. Review status: criteria provided, single submitter. Criteria: Ambry Variant Classification Scheme 2023. Collection method: clinical testing. Allele origin: germline.
Comment: The p.G599* pathogenic mutation (also known as c.1795G>T), located in coding exon 4 of the MSH6 gene, results from a G to T substitution at nucleotide position 1795. This changes the amino acid from a glycine to a stop codon within coding exon 4. This variant is considered to be rare based on population cohorts in the Genome Aggregation Database (gnomAD). This alteration is expected to result in loss of function by premature protein truncation or nonsense-mediated mRNA decay. As such, this alteration is interpreted as a disease-causing mutation.

Myriad Genetics, Inc.
Classification: Pathogenic for Lynch syndrome 5. Last evaluated: 2023-08-15. Review status: criteria provided, single submitter. Criteria: Myriad Autosomal Dominant, Autosomal Recessive and X-Linked Classification Criteria (2023). Collection method: clinical testing. Allele origin: unknown.
Comment: This variant is considered pathogenic. This variant creates a termination codon and is predicted to result in premature protein truncation.

ARUP Laboratories, Molecular Genetics and Genomics, ARUP Laboratories
Classification: Pathogenic. Last evaluated: 2017-02-14. Review status: criteria provided, single submitter. Criteria: ARUP Molecular Germline Variant Investigation Process. Collection method: clinical testing. Allele origin: germline.

GeneDx
Classification: Pathogenic. Last evaluated: 2016-05-17. Review status: criteria provided, single submitter. Criteria: GeneDx Variant Classification (06012015). Collection method: clinical testing. Allele origin: germline. Affected: yes.
Comment: This variant is denoted MSH6 c.1795G>T at the cDNA level and p.Gly599Ter (G599X) at the protein level. The substitution creates a nonsense variant, which changes a Glycine to a premature stop codon (GGA>TGA), and is predicted to cause loss of normal protein function through either protein truncation or nonsense-mediated mRNA decay. Although this variant has not, to our knowledge, been reported in the literature, it is considered pathogenic.